The following is an entry in ClinVar:

ClinVar aggregate classification (germline): Uncertain significance (1 of 4 stars; one submission).

Submission:

GeneDx
Classification: Uncertain significance. Last evaluated: 2024-10-23. Review status: criteria provided, single submitter. Criteria: GeneDx Variant Classification Process June 2021. Collection method: clinical testing. Allele origin: germline. Affected: yes.
Comment: Not observed at significant frequency in large population cohorts (gnomAD); In silico analysis indicates that this missense variant does not alter protein structure/function; Has not been previously published as pathogenic or benign to our knowledge

NM_005413.4(SIX3):c.819G>C (p.Gln273His)

Gene: SIX3 (SIX homeobox 3; plus strand). Cytogenetic location: 2p21.
Variant type: single nucleotide variant.
Coding change: c.819G>C on transcript NM_005413.4 (MANE Select); coding-DNA position 819, G replaced by C.
Protein change: p.Gln273His; replaces glutamine 273 with histidine.
Molecular consequence: missense variant.
Genome position (GRCh38, 1-based): chr2:44,944,580, G>C. VCF-style: chr2-44944580-G-C. GRCh37 (hg19) VCF-style: chr2-45171719-G-C.
Other names: short protein forms Q273H.
Identifiers: ClinVar variation 3893320 (VCV003893320.1).